The following is an entry in ClinVar:

NM_000256.3(MYBPC3):c.505+6T>G

Gene: MYBPC3 (myosin binding protein C3; minus strand). Cytogenetic location: 11p11.2.
Variant type: single nucleotide variant.
Coding change: c.505+6T>G on transcript NM_000256.3 (MANE Select); 6 bases into the intron after coding-DNA position 505, T replaced by G.
Molecular consequence: intron variant.
Genome position (GRCh38, 1-based): chr11:47,350,008, A>C on the plus strand (T>G on the coding strand, the complement: MYBPC3 is on the minus strand). VCF-style: chr11-47350008-A-C. GRCh37 (hg19) VCF-style: chr11-47371559-A-C.
Identifiers: ClinVar variation 42762 (VCV000042762.5), dbSNP rs397516055, ClinGen allele CA015295.

ClinVar aggregate classification (germline): Uncertain significance. Review status: criteria provided, multiple submitters, no conflicts (2 of 4 stars). 2 submissions from 2 submitters: Uncertain significance (2). Last evaluated 2020-09-01.

Submissions (2):

Blueprint Genetics
Classification: Uncertain significance. Last evaluated: 2020-09-01. Review status: criteria provided, single submitter. Criteria: ACMG Guidelines, 2015. Collection method: clinical testing. Allele origin: germline.

Laboratory for Molecular Medicine, Mass General Brigham Personalized Medicine
Classification: Uncertain significance. Last evaluated: 2011-05-16. Review status: criteria provided, single submitter. Criteria: LMM Criteria. Collection method: clinical testing. Allele origin: germline. Observed: 1 variant allele.
Comment: The 505+6T>G variant has not been reported in the literature. It should be noted that this lab has sequenced the MYBPC3 in only 162 Asian individuals and c an therefore not exclude the possibility that this varinat is common in the Asia n population. This variant is located in the 5' splice region but does not affect the highly conserved +1 and +2 positions. However, positions +3 to +6 are part of the splicing consensus sequence and variants involving these positions somet imes affect splicing. Pathogenic splice variants in the MYBPC3 gene are common in HCM, which increases the possibility that this variant is disease causing. Ho wever, it has not yet been seen in isolation in an affected individual and addit ional studies are needed to determine its clinical significance.

Literature cited by the submitters: PubMed 28679633 (cited by Laboratory for Molecular Medicine, Mass General Brigham Personalized Medicine).